The following is an entry in ClinVar:

NM_001134673.4(NFIA):c.1034C>G (p.Ala345Gly)

Gene: NFIA (nuclear factor I A; plus strand). Cytogenetic location: 1p31.3.
Variant type: single nucleotide variant.
Coding change: c.1034C>G on transcript NM_001134673.4 (MANE Select); coding-DNA position 1034, C replaced by G.
Protein change: p.Ala345Gly; replaces alanine 345 with glycine.
Molecular consequence: missense variant.
Genome position (GRCh38, 1-based): chr1:61,383,324, C>G. VCF-style: chr1-61383324-C-G. GRCh37 (hg19) VCF-style: chr1-61848996-C-G.
Other names: c.1010C>G, p.Ala337Gly (NM_001145511.2); c.1169C>G, p.Ala390Gly (NM_001145512.2); c.1034C>G, p.Ala345Gly (NM_005595.5); short protein forms A390G, A337G, A345G.
Identifiers: ClinVar variation 2035632 (VCV002035632.4), dbSNP rs780521254, ClinGen allele CA23732526.
Genomic context (GRCh38, chr1:61,383,324, plus strand): 5'-AGTCGGAGAAGTCTGGTTTCAGCAGCCCCTCCCCTTCACAGACCTCCTCCCTGGGAACGG[C>G]GTTCACACAGCATCACCGACCTGTCATTACAGGACCCAGAGGTGAGCTGCTCCACAGGCA-3'
Protein context (NP_001128145.1, residues 335-355): SPSQTSSLGT[Ala345Gly]FTQHHRPVIT

ClinVar aggregate classification (germline): Uncertain significance (1 of 4 stars; one submission).

Allele frequency attached by ClinVar (database versions not stated): gnomAD 0.00001; TOPMed 0.00001.
gnomAD v4.1: 2 of 1,613,856 alleles (0.00012%); highest among the groups gnomAD compares: Admixed American, 0.0033%; no homozygotes.

Submission:

Labcorp Genetics (formerly Invitae), Labcorp
Classification: Uncertain significance. Last evaluated: 2023-09-30. Review status: criteria provided, single submitter. Criteria: Invitae Variant Classification Sherloc (09022015). Collection method: clinical testing. Allele origin: germline.
Comment: This sequence change replaces alanine, which is neutral and non-polar, with glycine, which is neutral and non-polar, at codon 345 of the NFIA protein (p.Ala345Gly). This variant is not present in population databases (gnomAD no frequency). This variant has not been reported in the literature in individuals affected with NFIA-related conditions. ClinVar contains an entry for this variant (Variation ID: 2035632). An algorithm developed to predict the effect of missense changes on protein structure and function (PolyPhen-2) suggests that this variant is likely to be tolerated. In summary, the available evidence is currently insufficient to determine the role of this variant in disease. Therefore, it has been classified as a Variant of Uncertain Significance.